The following is an entry in ClinVar:

NM_001134673.4(NFIA):c.1453C>T (p.Arg485Ter)

Gene: NFIA (nuclear factor I A; plus strand). Cytogenetic location: 1p31.3.
Variant type: single nucleotide variant.
Coding change: c.1453C>T on transcript NM_001134673.4 (MANE Select); coding-DNA position 1453, C replaced by T.
Protein change: p.Arg485Ter; replaces arginine 485 with a stop codon.
Molecular consequence: nonsense. On other transcripts: intron variant (1).
Genome position (GRCh38, 1-based): chr1:61,426,497, C>T. VCF-style: chr1-61426497-C-T. GRCh37 (hg19) VCF-style: chr1-61892169-C-T.
Other names: c.1429C>T, p.Arg477Ter (NM_001145511.2); c.1588C>T, p.Arg530Ter (NM_001145512.2); c.1420+19770C>T (NM_005595.5); short protein forms R477*, R485*, R530*.
Identifiers: ClinVar variation 4881699 (VCV004881699.3).

ClinVar aggregate classification (germline): Uncertain significance. Review status: criteria provided, multiple submitters, no conflicts (2 of 4 stars). 2 submissions from 2 submitters: Uncertain significance (2). Last evaluated 2025-12-19.

Conditions:
Brain malformations with or without urinary tract defects. Also called: Brain malformations and urinary tract defects. Identifiers: MedGen C4478940, MONDO:0100478, OMIM 613735.

gnomAD v4.1: 2 of 1,552,020 alleles (0.00013%); highest among the groups gnomAD compares: Non-Finnish European, 0.00017%; no homozygotes.

Submissions (2):

Dasa
Classification: Uncertain significance for brain malformations with or without urinary tract defects. Last evaluated: 2025-12-19. Review status: criteria provided, single submitter. Criteria: DASA Assertion Criteria. Collection method: clinical testing. Allele origin: germline.
Comment: NM_001134673.4(NFIA):c.1453C>T (p.Arg485*) is a nonsense variant in NFIA predicted to introduce a premature termination codon and is predicted to result in an absent or altered protein product. This variant is rare in population databases. The currently available literature and clinical evidence are not sufficient to establish a definitive association between this variant and the reported condition. Therefore, this variant is classified as a variant of uncertain significance.

Blueprint Genetics
Classification: Uncertain significance. Last evaluated: 2022-08-05. Review status: criteria provided, single submitter. Criteria: ACMG Guidelines, 2015. Collection method: clinical testing. Allele origin: germline.